The following is an entry in ClinVar:

NM_001355436.2(SPTB):c.37C>T (p.Gln13Ter)

Gene: SPTB (spectrin beta, erythrocytic; minus strand). Cytogenetic location: 14q23.3.
Variant type: single nucleotide variant.
Coding change: c.37C>T on transcript NM_001355436.2 (MANE Select); coding-DNA position 37, C replaced by T.
Protein change: p.Gln13Ter; replaces glutamine 13 with a stop codon.
Molecular consequence: nonsense.
Genome position (GRCh38, 1-based): chr14:64,823,058, G>A on the plus strand (C>T on the coding strand, the complement: SPTB is on the minus strand). VCF-style: chr14-64823058-G-A. GRCh37 (hg19) VCF-style: chr14-65289776-G-A.
Other names: c.37C>T, p.Gln13Ter (NM_001024858.4, NM_001355437.2); short protein forms Q13*.
Identifiers: ClinVar variation 3726733 (VCV003726733.2).

ClinVar aggregate classification (germline): Pathogenic (1 of 4 stars; one submission).

Submission:

Labcorp Genetics (formerly Invitae), Labcorp
Classification: Pathogenic. Last evaluated: 2024-12-06. Review status: criteria provided, single submitter. Criteria: Invitae Variant Classification Sherloc (09022015). Collection method: clinical testing. Allele origin: germline.
Comment: This sequence change creates a premature translational stop signal (p.Gln13*) in the SPTB gene. It is expected to result in an absent or disrupted protein product. Loss-of-function variants in SPTB are known to be pathogenic (PMID: 1391962, 1498324, 8844207, 26830532, 27292444). This variant is not present in population databases (gnomAD no frequency). This variant has not been reported in the literature in individuals affected with SPTB-related conditions. For these reasons, this variant has been classified as Pathogenic.

Literature cited by the submitters: PubMed 1391962; PubMed 1498324; PubMed 8844207; PubMed 26830532; PubMed 27292444.